The following is an entry in ClinVar:

ClinVar aggregate classification (germline): Uncertain significance (1 of 4 stars; one submission).

Conditions:
Duchenne muscular dystrophy (DMD). Also called: Duchenne Muscular Dystrophy (DMD); MUSCULAR DYSTROPHY, PSEUDOHYPERTROPHIC PROGRESSIVE, DUCHENNE TYPE. Identifiers: Orphanet 98896, MedGen C0013264, MONDO:0010679, OMIM 310200.

Allele frequency attached by ClinVar (database versions not stated): ExAC 0.00001.

Submission:

Labcorp Genetics (formerly Invitae), Labcorp
Classification: Uncertain significance for Duchenne muscular dystrophy. Last evaluated: 2023-11-27. Review status: criteria provided, single submitter. Criteria: Invitae Variant Classification Sherloc (09022015). Collection method: clinical testing. Allele origin: germline.
Comment: This sequence change replaces threonine, which is neutral and polar, with proline, which is neutral and non-polar, at codon 2443 of the DMD protein (p.Thr2443Pro). This variant is not present in population databases (gnomAD no frequency). This variant has not been reported in the literature in individuals affected with DMD-related conditions. ClinVar contains an entry for this variant (Variation ID: 1447588). Advanced modeling of protein sequence and biophysical properties (such as structural, functional, and spatial information, amino acid conservation, physicochemical variation, residue mobility, and thermodynamic stability) performed at Invitae indicates that this missense variant is not expected to disrupt DMD protein function with a negative predictive value of 95%. In summary, the available evidence is currently insufficient to determine the role of this variant in disease. Therefore, it has been classified as a Variant of Uncertain Significance.

NM_004006.3(DMD):c.7327A>C (p.Thr2443Pro)

Gene: DMD (dystrophin; minus strand). Cytogenetic location: Xp21.1.
Variant type: single nucleotide variant.
Coding change: c.7327A>C on transcript NM_004006.3 (MANE Select); coding-DNA position 7327, A replaced by C.
Protein change: p.Thr2443Pro; replaces threonine 2443 with proline.
Molecular consequence: missense variant. On other transcripts: 5 prime UTR variant (5).
Genome position (GRCh38, 1-based): chrX:31,774,175, T>G on the plus strand (A>C on the coding strand, the complement: DMD is on the minus strand). VCF-style: chrX-31774175-T-G. GRCh37 (hg19) VCF-style: chrX-31792292-T-G.
Other names: c.7303A>C, p.Thr2435Pro (NM_000109.4); c.7315A>C, p.Thr2439Pro (NM_004009.3); c.6958A>C, p.Thr2320Pro (NM_004010.3); c.3304A>C, p.Thr1102Pro (NM_004011.4); c.3295A>C, p.Thr1099Pro (NM_004012.4); c.-54A>C (NM_004013.3, NM_004020.4, NM_004021.3 and 2 more transcripts); short protein forms T2443P, T1099P, T1102P, T2320P, T2435P, T2439P.
Identifiers: ClinVar variation 1447588 (VCV001447588.6), dbSNP rs776243218, ClinGen allele CA10378287.